The following is an entry in ClinVar:

NM_001042492.3(NF1):c.6733C>T (p.Gln2245Ter)

Gene: NF1 (neurofibromin 1; plus strand). Cytogenetic location: 17q11.2.
Variant type: single nucleotide variant.
Coding change: c.6733C>T on transcript NM_001042492.3 (MANE Select); coding-DNA position 6733, C replaced by T.
Protein change: p.Gln2245Ter; replaces glutamine 2245 with a stop codon.
Molecular consequence: nonsense.
Genome position (GRCh38, 1-based): chr17:31,338,053, C>T. VCF-style: chr17-31338053-C-T. GRCh37 (hg19) VCF-style: chr17-29665071-C-T.
Other names: c.6670C>T, p.Gln2224Ter (NM_000267.4); short protein forms Q2224*, Q2245*.
Identifiers: ClinVar variation 657256 (VCV000657256.13), dbSNP rs1597845013, ClinGen allele CA399014041.

ClinVar aggregate classification (germline): Pathogenic. Review status: criteria provided, multiple submitters, no conflicts (2 of 4 stars). 6 submissions from 6 submitters: Pathogenic (6). Last evaluated 2024-10-04.

Conditions:
NF1-related disorder. Also called: NF1-related condition. Identifiers: MedGen CN379171.
Café-au-lait macules with pulmonary stenosis (WTSN). Also called: PULMONIC STENOSIS WITH CAFE-AU-LAIT SPOTS. Identifiers: MedGen C0553586, MONDO:0008672, OMIM 193520.
Neurofibromatosis, type 1 (NF1). Also called: Neurofibromatosis, type I; NEUROFIBROMATOSIS, TYPE I, SOMATIC; Peripheral type neurofibromatosis; VON RECKLINGHAUSEN DISEASE. Identifiers: Orphanet 636, MedGen C0027831, MONDO:0018975, OMIM 162200. Disease mechanism: loss of function.

Submissions (6):

Dubai Health Genomic Medicine Center, Dubai Health
Classification: Pathogenic for Watson syndrome. Last evaluated: 2024-10-04. Review status: criteria provided, single submitter. Criteria: ACMG Guidelines, 2015. Collection method: research. Allele origin: germline. Affected: yes.
Comment: PVS1,PM2,PS4

GeneDx
Classification: Pathogenic. Last evaluated: 2023-11-07. Review status: criteria provided, single submitter. Criteria: GeneDx Variant Classification Process June 2021. Collection method: clinical testing. Allele origin: germline. Affected: yes.
Comment: Nonsense variant predicted to result in protein truncation or nonsense mediated decay in a gene for which loss of function is a known mechanism of disease; Not observed at significant frequency in large population cohorts (gnomAD); This variant is associated with the following publications: (PMID: 23913538, 34273915)

Genome-Nilou Lab
Classification: Pathogenic for Neurofibromatosis, type 1. Last evaluated: 2022-03-15. Review status: criteria provided, single submitter. Criteria: ACMG Guidelines, 2015. Collection method: clinical testing. Allele origin: germline. Affected: no.

Quest Diagnostics Nichols Institute San Juan Capistrano
Classification: Pathogenic. Last evaluated: 2021-08-20. Review status: criteria provided, single submitter. Criteria: Quest Diagnostics criteria. Collection method: clinical testing. Allele origin: unknown.
Comment: This nonsense variant causes the premature termination of NF1 protein synthesis. In addition, it has been reported in an individual affected with Neurofibromatosis type 1 in the published literature (PMID: 23913538 (2013)). Based on the available information, this variant is classified as pathogenic.

Blueprint Genetics
Classification: Pathogenic for NF1-related disorders. Last evaluated: 2021-07-22. Review status: criteria provided, single submitter. Criteria: ACMG Guidelines, 2015. Collection method: clinical testing. Allele origin: de novo. Affected: yes. Observed: 1 variant allele.

Labcorp Genetics (formerly Invitae), Labcorp
Classification: Pathogenic for Neurofibromatosis, type 1. Last evaluated: 2020-12-06. Review status: criteria provided, single submitter. Criteria: Invitae Variant Classification Sherloc (09022015). Collection method: clinical testing. Allele origin: germline.
Comment: For these reasons, this variant has been classified as Pathogenic. Loss-of-function variants in NF1 are known to be pathogenic (PMID: 10712197, 23913538). This variant has been observed in an individual affected with neurofibromatosis type 1 (PMID: 23913538). This variant is not present in population databases (ExAC no frequency). This sequence change creates a premature translational stop signal (p.Gln2224*) in the NF1 gene. It is expected to result in an absent or disrupted protein product.

Literature cited by the submitters: PubMed 10712197 (cited by Labcorp Genetics (formerly Invitae), Labcorp); PubMed 23913538 (cited by Labcorp Genetics (formerly Invitae), Labcorp).